The following is an entry in ClinVar:

ClinVar aggregate classification (germline): Uncertain significance (1 of 4 stars; one submission).

Submission:

Ambry Genetics
Classification: Uncertain significance. Last evaluated: 2025-11-04. Review status: criteria provided, single submitter. Criteria: Ambry Variant Classification Scheme 2023. Collection method: clinical testing. Allele origin: germline.
Comment: The p.A1072V variant (also known as c.3215C>T), located in coding exon 1 of the TET2 gene, results from a C to T substitution at nucleotide position 3215. The alanine at codon 1072 is replaced by valine, an amino acid with similar properties. This amino acid position is conserved. In addition, this alteration is predicted to be tolerated by in silico analysis. Based on the available evidence, the clinical significance of this variant remains unclear.

NM_001127208.3(TET2):c.3215C>T (p.Ala1072Val)

Genes: TET2 (tet methylcytosine dioxygenase 2; plus strand), TET2-AS1 (TET2 antisense RNA 1; minus strand). Cytogenetic location: 4q24.
Variant type: single nucleotide variant.
Coding change: c.3215C>T on transcript NM_001127208.3 (MANE Select); coding-DNA position 3215, C replaced by T.
Protein change: p.Ala1072Val; replaces alanine 1072 with valine.
Molecular consequence: missense variant.
Genome position (GRCh38, 1-based): chr4:105,237,157, C>T. VCF-style: chr4-105237157-C-T. GRCh37 (hg19) VCF-style: chr4-106158314-C-T.
Other names: c.3215C>T, p.Ala1072Val (NM_017628.4); short protein forms A1072V.
Identifiers: ClinVar variation 4594188 (VCV004594188.1).